The following is an entry in ClinVar:

NM_007294.4(BRCA1):c.5336A>G (p.Gln1779Arg)

Gene: BRCA1 (BRCA1 DNA repair associated; minus strand). Cytogenetic location: 17q21.31.
Variant type: single nucleotide variant.
Coding change: c.5336A>G on transcript NM_007294.4 (MANE Select); coding-DNA position 5336, A replaced by G.
Protein change: p.Gln1779Arg; replaces glutamine 1779 with arginine.
Molecular consequence: missense variant. On other transcripts: non-coding transcript variant (1), intron variant (1).
Genome position (GRCh38, 1-based): chr17:43,049,191, T>C on the plus strand (A>G on the coding strand, the complement: BRCA1 is on the minus strand). VCF-style: chr17-43049191-T-C. GRCh37 (hg19) VCF-style: chr17-41201208-T-C.
Other names: c.5123A>G, p.Gln1708Arg (NM_001407571.1, NM_001407894.1, NM_001407895.1 and 12 more transcripts); c.5402A>G, p.Gln1801Arg (NM_001407581.1, NM_001407582.1); c.5399A>G, p.Gln1800Arg (NM_001407583.1, NM_001407585.1, NM_001407587.1 and 1 more transcripts); c.5333A>G, p.Gln1778Arg (NM_001407610.1, NM_001407611.1, NM_001407612.1 and 14 more transcripts); c.5330A>G, p.Gln1777Arg (NM_001407629.1, NM_001407630.1, NM_001407631.1 and 13 more transcripts); c.5276A>G, p.Gln1759Arg (NM_001407649.1); c.5258A>G, p.Gln1753Arg (NM_001407652.1, NM_001407653.1, NM_001407654.1 and 1 more transcripts); c.5255A>G, p.Gln1752Arg (NM_001407656.1, NM_001407657.1, NM_001407658.1); and 73 more; short protein forms Q1732R, Q675R, Q1800R, Q1779R, Q1652R, Q1707R, Q1736R, Q1738R.
Identifiers: ClinVar variation 865635 (VCV000865635.3), dbSNP rs2051096772, ClinGen allele CA10590790.

Conditions:
Breast-ovarian cancer, familial, susceptibility to, 1 (BROVCA1). Also called: BRCA1 Hereditary Breast and Ovarian Cancer; OVARIAN CANCER, SUSCEPTIBILITY TO. Identifiers: Orphanet 145, MedGen C2676676, MONDO:0011450, OMIM 604370. Disease mechanism: loss of function.

Submission:

Brotman Baty Institute, University of Washington
No classification provided (evidence only). Condition: Breast-ovarian cancer, familial 1. Review status: no classification provided. Collection method: in vitro. Allele origin: not applicable. Functional consequence: functionally_normal.
ClinVar note: "not provided" was previously submitted as the classification for the variant. However, the classification appeared to be based only on an observation of functional data so it was converted to no classification on 2025-07-30.